The following is an entry in ClinVar:

NM_022436.3(ABCG5):c.1273C>T (p.Gln425Ter)

Genes: ABCG5 (ATP binding cassette subfamily G member 5; minus strand), DYNC2LI1 (dynein cytoplasmic 2 light intermediate chain 1; plus strand). Cytogenetic location: 2p21.
Variant type: single nucleotide variant.
Coding change: c.1273C>T on transcript NM_022436.3 (MANE Select); coding-DNA position 1273, C replaced by T.
Protein change: p.Gln425Ter; replaces glutamine 425 with a stop codon.
Molecular consequence: nonsense. On other transcripts: intron variant (2).
Genome position (GRCh38, 1-based): chr2:43,823,964, G>A on the plus strand (C>T on the coding strand, the complement: ABCG5 is on the minus strand). VCF-style: chr2-43823964-G-A. GRCh37 (hg19) VCF-style: chr2-44051103-G-A.
Other names: c.*16-3422G>A (NM_001348913.2, NM_001348912.2); short protein forms Q425*.
Identifiers: ClinVar variation 2889432 (VCV002889432.4), dbSNP rs1344704197, ClinGen allele CA346664142.

ClinVar aggregate classification (germline): Pathogenic/Likely pathogenic. Review status: criteria provided, multiple submitters, no conflicts (2 of 4 stars). 2 submissions from 2 submitters: Pathogenic (1); Likely pathogenic (1). Last evaluated 2024-08-19.

Conditions:
Sitosterolemia (STSL). Also called: PHYTOSTEROLEMIA. Identifiers: Orphanet 2882, MedGen C0342907, MONDO:0008863.
ABCG5-related disorder. Also called: ABCG5-related condition.

Allele frequency attached by ClinVar (database versions not stated): TOPMed 0.00001; gnomAD exomes below 0.00001; gnomAD 0.00001.
gnomAD v4.1: 5 of 1,614,064 alleles (0.00031%); highest among the groups gnomAD compares: Non-Finnish European, 0.00042%; no homozygotes.

Submissions (2):

Blueprint Genetics
Classification: Likely pathogenic for ABCG5-related disorders. Last evaluated: 2024-08-19. Review status: criteria provided, single submitter. Criteria: ACMG Guidelines, 2015. Collection method: clinical testing. Allele origin: germline. Affected: yes. Observed: 5 variant alleles.

Labcorp Genetics (formerly Invitae), Labcorp
Classification: Pathogenic for Sitosterolemia. Last evaluated: 2023-12-09. Review status: criteria provided, single submitter. Criteria: Invitae Variant Classification Sherloc (09022015). Collection method: clinical testing. Allele origin: germline.
Comment: This sequence change creates a premature translational stop signal (p.Gln425*) in the ABCG5 gene. It is expected to result in an absent or disrupted protein product. Loss-of-function variants in ABCG5 are known to be pathogenic (PMID: 11138003, 25665839). This variant is not present in population databases (gnomAD no frequency). This variant has not been reported in the literature in individuals affected with ABCG5-related conditions. Algorithms developed to predict the effect of sequence changes on RNA splicing suggest that this variant may disrupt the consensus splice site. For these reasons, this variant has been classified as Pathogenic.

Literature cited by the submitters: PubMed 11138003 (cited by Labcorp Genetics (formerly Invitae), Labcorp); PubMed 25665839 (cited by Labcorp Genetics (formerly Invitae), Labcorp).